The following is an entry in ClinVar:

ClinVar aggregate classification (germline): Uncertain significance (1 of 4 stars; one submission).

Submission:

Labcorp Genetics (formerly Invitae), Labcorp
Classification: Uncertain significance. Last evaluated: 2023-07-21. Review status: criteria provided, single submitter. Criteria: Invitae Variant Classification Sherloc (09022015). Collection method: clinical testing. Allele origin: germline.
Comment: This sequence change falls in intron 15 of the RTTN gene. It does not directly change the encoded amino acid sequence of the RTTN protein. This variant is not present in population databases (gnomAD no frequency). This variant has not been reported in the literature in individuals affected with RTTN-related conditions. ClinVar contains an entry for this variant (Variation ID: 2130671). Algorithms developed to predict the effect of sequence changes on RNA splicing suggest that this variant may create or strengthen a splice site. In summary, the available evidence is currently insufficient to determine the role of this variant in disease. Therefore, it has been classified as a Variant of Uncertain Significance.

NM_173630.4(RTTN):c.2055+15A>G

Gene: RTTN (rotatin; minus strand). Cytogenetic location: 18q22.2.
Variant type: single nucleotide variant.
Coding change: c.2055+15A>G on transcript NM_173630.4 (MANE Select); 15 bases into the intron after coding-DNA position 2055, A replaced by G.
Molecular consequence: intron variant.
Genome position (GRCh38, 1-based): chr18:70,150,593, T>C on the plus strand (A>G on the coding strand, the complement: RTTN is on the minus strand). VCF-style: chr18-70150593-T-C. GRCh37 (hg19) VCF-style: chr18-67817829-T-C.
Other names: c.-593+15A>G (NM_001318520.2).
Identifiers: ClinVar variation 2130671 (VCV002130671.4), dbSNP rs1351057159, ClinGen allele CA2580095996.